The following is an entry in ClinVar:

ClinVar aggregate classification (germline): Pathogenic (1 of 4 stars; one submission).

Conditions:
Neurofibromatosis, type 2 (SWNV). Also called: BILATERAL ACOUSTIC NEUROFIBROMATOSIS; SCHWANNOMATOSIS, VESTIBULAR; NF2-Related Schwannomatosis. Identifiers: Orphanet 637, MedGen C0027832, MONDO:0007039, OMIM 101000. Disease mechanism: loss of function.

Submission:

Labcorp Genetics (formerly Invitae), Labcorp
Classification: Pathogenic for Neurofibromatosis, type 2. Last evaluated: 2021-06-14. Review status: criteria provided, single submitter. Criteria: Invitae Variant Classification Sherloc (09022015). Collection method: clinical testing. Allele origin: germline.
Comment: For these reasons, this variant has been classified as Pathogenic. This variant has not been reported in the literature in individuals with NF2-related conditions. This variant is not present in population databases (ExAC no frequency). This sequence change creates a premature translational stop signal (p.Glu422*) in the NF2 gene. It is expected to result in an absent or disrupted protein product. Loss-of-function variants in NF2 are known to be pathogenic (PMID: 9643284, 16983642).

Literature cited by the submitters: PubMed 9643284; PubMed 16983642.

NM_000268.4(NF2):c.1264G>T (p.Glu422Ter)

Gene: NF2 (NF2, moesin-ezrin-radixin like (MERLIN) tumor suppressor; plus strand). Cytogenetic location: 22q12.2.
Variant type: single nucleotide variant.
Coding change: c.1264G>T on transcript NM_000268.4 (MANE Select); coding-DNA position 1264, G replaced by T.
Protein change: p.Glu422Ter; replaces glutamic acid 422 with a stop codon.
Molecular consequence: nonsense. On other transcripts: non-coding transcript variant (1), intron variant (1).
Genome position (GRCh38, 1-based): chr22:29,673,410, G>T. VCF-style: chr22-29673410-G-T. GRCh37 (hg19) VCF-style: chr22-30069399-G-T.
Other names: c.1264G>T, p.Glu422Ter (NM_016418.5, NM_181825.3, NM_181832.3); c.1138G>T, p.Glu380Ter (NM_181828.3); c.1141G>T, p.Glu381Ter (NM_181829.3); c.1015G>T, p.Glu339Ter (NM_181830.3, NM_181831.3); c.448-21342G>T (NM_181833.3); short protein forms E339*, E422*, E381*, E380*.
Identifiers: ClinVar variation 1456155 (VCV001456155.6), dbSNP rs2066864084, ClinGen allele CA411148371.